The following is an entry in ClinVar:

NM_005359.6(SMAD4):c.1140-1G>T

Gene: SMAD4 (SMAD family member 4; plus strand). Cytogenetic location: 18q21.2.
Variant type: single nucleotide variant.
Coding change: c.1140-1G>T on transcript NM_005359.6 (MANE Select); the canonical splice acceptor site of the intron before coding-DNA position 1140, G replaced by T.
Molecular consequence: splice acceptor variant.
Genome position (GRCh38, 1-based): chr18:51,067,018, G>T. VCF-style: chr18-51067018-G-T. GRCh37 (hg19) VCF-style: chr18-48593388-G-T.
Other names: c.1140-1G>T (NM_001407042.1, NM_001407041.1).
Identifiers: ClinVar variation 3724591 (VCV003724591.2).

ClinVar aggregate classification (germline): Likely pathogenic (1 of 4 stars; one submission).

Conditions:
Juvenile polyposis syndrome (JPS). Identifiers: Orphanet 2929, MedGen C0345893, MONDO:0017380, OMIM 174900.

Submission:

Labcorp Genetics (formerly Invitae), Labcorp
Classification: Likely pathogenic for Juvenile polyposis syndrome. Last evaluated: 2024-11-04. Review status: criteria provided, single submitter. Criteria: Invitae Variant Classification Sherloc (09022015). Collection method: clinical testing. Allele origin: germline.
Comment: This sequence change affects an acceptor splice site in intron 9 of the SMAD4 gene. It is expected to disrupt RNA splicing. Variants that disrupt the donor or acceptor splice site typically lead to a loss of protein function (PMID: 16199547), and loss-of-function variants in SMAD4 are known to be pathogenic (PMID: 16152648, 16436638, 22810475). This variant is not present in population databases (gnomAD no frequency). This variant has not been reported in the literature in individuals affected with SMAD4-related conditions. Algorithms developed to predict the effect of sequence changes on RNA splicing suggest that this variant may disrupt the consensus splice site. In summary, the currently available evidence indicates that the variant is pathogenic, but additional data are needed to prove that conclusively. Therefore, this variant has been classified as Likely Pathogenic.

Literature cited by the submitters: PubMed 16199547; PubMed 16152648; PubMed 16436638; PubMed 22810475.